The following is an entry in ClinVar:

NM_001365480.1(CCDC88A):c.1541T>G (p.Ile514Ser)

Gene: CCDC88A (coiled-coil domain containing 88A; minus strand). Cytogenetic location: 2p16.1.
Variant type: single nucleotide variant.
Coding change: c.1541T>G on transcript NM_001365480.1 (MANE Select); coding-DNA position 1541, T replaced by G.
Protein change: p.Ile514Ser; replaces isoleucine 514 with serine.
Molecular consequence: missense variant.
Genome position (GRCh38, 1-based): chr2:55,336,796, A>C on the plus strand (T>G on the coding strand, the complement: CCDC88A is on the minus strand). VCF-style: chr2-55336796-A-C. GRCh37 (hg19) VCF-style: chr2-55563932-A-C.
Other names: c.1541T>G, p.Ile514Ser (NM_001135597.2, NM_001254943.2, NM_018084.5); c.1541T>G (NM_001135597.1); short protein forms I514S.
Identifiers: ClinVar variation 1522117 (VCV001522117.8), dbSNP rs867840638, ClinGen allele CA47606418.

ClinVar aggregate classification (germline): Uncertain significance. Review status: criteria provided, multiple submitters, no conflicts (2 of 4 stars). 2 submissions from 2 submitters: Uncertain significance (2). Last evaluated 2024-03-19.

Allele frequency attached by ClinVar (database versions not stated): gnomAD exomes below 0.00001.
gnomAD v4.1: 5 of 1,581,414 alleles (0.00032%); highest among the groups gnomAD compares: Middle Eastern, 0.033%; no homozygotes.

Submissions (2):

Ambry Genetics
Classification: Uncertain significance. Last evaluated: 2024-03-19. Review status: criteria provided, single submitter. Criteria: Ambry Variant Classification Scheme 2023. Collection method: clinical testing. Allele origin: germline.

Labcorp Genetics (formerly Invitae), Labcorp
Classification: Uncertain significance. Last evaluated: 2024-02-26. Review status: criteria provided, single submitter. Criteria: Invitae Variant Classification Sherloc (09022015). Collection method: clinical testing. Allele origin: germline.
Comment: This sequence change replaces isoleucine, which is neutral and non-polar, with serine, which is neutral and polar, at codon 514 of the CCDC88A protein (p.Ile514Ser). This variant is not present in population databases (gnomAD no frequency). This variant has not been reported in the literature in individuals affected with CCDC88A-related conditions. ClinVar contains an entry for this variant (Variation ID: 1522117). An algorithm developed to predict the effect of missense changes on protein structure and function (PolyPhen-2) suggests that this variant¬†is likely to be tolerated. In summary, the available evidence is currently insufficient to determine the role of this variant in disease. Therefore, it has been classified as a Variant of Uncertain Significance.